The following is an entry in ClinVar:

NM_019098.5(CNGB3):c.1744G>C (p.Val582Leu)

Gene: CNGB3 (cyclic nucleotide gated channel subunit beta 3; minus strand). Cytogenetic location: 8q21.3.
Variant type: single nucleotide variant.
Coding change: c.1744G>C on transcript NM_019098.5 (MANE Select); coding-DNA position 1744, G replaced by C.
Protein change: p.Val582Leu; replaces valine 582 with leucine.
Molecular consequence: missense variant.
Genome position (GRCh38, 1-based): chr8:86,604,130, C>G on the plus strand (G>C on the coding strand, the complement: CNGB3 is on the minus strand). VCF-style: chr8-86604130-C-G. GRCh37 (hg19) VCF-style: chr8-87616358-C-G.
Other names: short protein forms V582L.
Identifiers: ClinVar variation 842437 (VCV000842437.10), dbSNP rs1482603621, ClinGen allele CA371449055.
Genomic context (GRCh38, chr8:86,604,130, plus strand): 5'-TTTATGAAGTATCTTTCAGATACCTGATTTCTCCAAACACCGACCCAGCTTTCAGAGTAA[C>G]CAGAACTTTAGTACCATCAGGGCCTCCAAGAACTTGGACTTCTCCATGCTTGATGATATA-3'
Protein context (NP_061971.3, residues 572-592): LGGPDGTKVL[Val582Leu]TLKAGSVFGE

ClinVar aggregate classification (germline): Uncertain significance (1 of 4 stars; one submission).

Submission:

Labcorp Genetics (formerly Invitae), Labcorp
Classification: Uncertain significance. Last evaluated: 2024-12-16. Review status: criteria provided, single submitter. Criteria: Invitae Variant Classification Sherloc (09022015). Collection method: clinical testing. Allele origin: germline.
Comment: This sequence change replaces valine, which is neutral and non-polar, with leucine, which is neutral and non-polar, at codon 582 of the CNGB3 protein (p.Val582Leu). This variant is not present in population databases (gnomAD no frequency). This variant has not been reported in the literature in individuals affected with CNGB3-related conditions. ClinVar contains an entry for this variant (Variation ID: 842437). Invitae Evidence Modeling of protein sequence and biophysical properties (such as structural, functional, and spatial information, amino acid conservation, physicochemical variation, residue mobility, and thermodynamic stability) has been performed for this missense variant. However, the output from this modeling did not meet the statistical confidence thresholds required to predict the impact of this variant on CNGB3 protein function. In summary, the available evidence is currently insufficient to determine the role of this variant in disease. Therefore, it has been classified as a Variant of Uncertain Significance.